The following is an entry in ClinVar:

ClinVar aggregate classification (germline): Uncertain significance (1 of 4 stars; one submission).

Conditions:
Hereditary cancer-predisposing syndrome. Also called: Neoplastic Syndromes, Hereditary; Tumor predisposition; Hereditary Cancer Syndrome; Hereditary neoplastic syndrome. Identifiers: Orphanet 140162, MedGen C0027672, MeSH D009386, MONDO:0015356.

Submission:

Ambry Genetics
Classification: Uncertain significance for Hereditary cancer-predisposing syndrome. Last evaluated: 2026-01-18. Review status: criteria provided, single submitter. Criteria: Ambry Variant Classification Scheme 2023. Collection method: clinical testing. Allele origin: germline.
Comment: The p.T799S variant (also known as c.2396C>G), located in coding exon 16 of the PDGFRA gene, results from a C to G substitution at nucleotide position 2396. The threonine at codon 799 is replaced by serine, an amino acid with similar properties. This amino acid position is conserved. In addition, the in silico prediction for this alteration is inconclusive. Based on the available evidence, the clinical significance of this variant remains unclear.

NM_006206.6(PDGFRA):c.2396C>G (p.Thr799Ser)

Gene: PDGFRA (platelet derived growth factor receptor alpha; plus strand). Cytogenetic location: 4q12.
Variant type: single nucleotide variant.
Coding change: c.2396C>G on transcript NM_006206.6 (MANE Select); coding-DNA position 2396, C replaced by G.
Protein change: p.Thr799Ser; replaces threonine 799 with serine.
Molecular consequence: missense variant.
Genome position (GRCh38, 1-based): chr4:54,285,443, C>G. VCF-style: chr4-54285443-C-G. GRCh37 (hg19) VCF-style: chr4-55151610-C-G.
Other names: c.2471C>G, p.Thr824Ser (NM_001347828.2); c.2396C>G, p.Thr799Ser (NM_001347829.2); c.2435C>G, p.Thr812Ser (NM_001347830.2); short protein forms T824S, T812S, T799S.
Identifiers: ClinVar variation 4825438 (VCV004825438.1).